The following is an entry in ClinVar:

NM_007118.4(TRIO):c.6611A>G (p.Lys2204Arg)

Gene: TRIO (trio Rho guanine nucleotide exchange factor; plus strand). Cytogenetic location: 5p15.2.
Variant type: single nucleotide variant.
Coding change: c.6611A>G on transcript NM_007118.4 (MANE Select); coding-DNA position 6611, A replaced by G.
Protein change: p.Lys2204Arg; replaces lysine 2204 with arginine.
Molecular consequence: missense variant. On other transcripts: non-coding transcript variant (1).
Genome position (GRCh38, 1-based): chr5:14,482,727, A>G. VCF-style: chr5-14482727-A-G. GRCh37 (hg19) VCF-style: chr5-14482836-A-G.
Other names: short protein forms K2204R.
Identifiers: ClinVar variation 725457 (VCV000725457.34), dbSNP rs141648983, ClinGen allele CA3207170.

ClinVar aggregate classification (germline): Benign/Likely benign. Review status: criteria provided, multiple submitters, no conflicts (2 of 4 stars). 5 submissions from 5 submitters: Benign (1); Likely benign (4). Last evaluated 2026-04-01.

Allele frequency attached by ClinVar (database versions not stated): ESP Exome Variant Server 0.00077; TOPMed 0.00083.
gnomAD v4.1: 1,424 of 1,610,070 alleles (0.088%); highest among the groups gnomAD compares: Non-Finnish European, 0.091%; 2 homozygotes.

Submissions (5):

CeGaT Center for Human Genetics Tuebingen
Classification: Likely benign. Last evaluated: 2026-04-01. Review status: criteria provided, single submitter. Criteria: CeGaT Center For Human Genetics Tuebingen Variant Classification Criteria Version 2. Collection method: clinical testing. Allele origin: germline. Affected: yes. Observed: 13 variant alleles.
Comment: TRIO: BS2

Blueprint Genetics
Classification: Likely benign. Last evaluated: 2024-10-28. Review status: criteria provided, single submitter. Criteria: ACMG Guidelines, 2015. Collection method: clinical testing. Allele origin: germline.

Labcorp Genetics (formerly Invitae), Labcorp
Classification: Likely benign. Last evaluated: 2019-12-31. Review status: criteria provided, single submitter. Criteria: Invitae Variant Classification Sherloc (09022015). Collection method: clinical testing. Allele origin: germline.

Genetic Services Laboratory, University of Chicago
Classification: Likely benign. Last evaluated: 2019-09-24. Review status: criteria provided, single submitter. Criteria: ACMG Guidelines, 2015. Collection method: clinical testing. Allele origin: germline. Affected: no.

GeneDx
Classification: Benign. Last evaluated: 2019-06-07. Review status: criteria provided, single submitter. Criteria: GeneDx Variant Classification Process June 2021. Collection method: clinical testing. Allele origin: germline. Affected: yes.